The following is an entry in ClinVar:

ClinVar aggregate classification (germline): Uncertain significance (1 of 4 stars; one submission).

Submission:

GeneDx
Classification: Uncertain significance. Last evaluated: 2024-06-14. Review status: criteria provided, single submitter. Criteria: GeneDx Variant Classification Process June 2021. Collection method: clinical testing. Allele origin: germline. Affected: yes.
Comment: Not observed at significant frequency in large population cohorts (gnomAD); In silico analysis indicates that this missense variant does not alter protein structure/function; Has not been previously published as pathogenic or benign to our knowledge

NM_001830.4(CLCN4):c.471C>G (p.Ile157Met)

Gene: CLCN4 (chloride voltage-gated channel 4; plus strand). Cytogenetic location: Xp22.2.
Variant type: single nucleotide variant.
Coding change: c.471C>G on transcript NM_001830.4 (MANE Select); coding-DNA position 471, C replaced by G.
Protein change: p.Ile157Met; replaces isoleucine 157 with methionine.
Molecular consequence: missense variant.
Genome position (GRCh38, 1-based): chrX:10,197,977, C>G. VCF-style: chrX-10197977-C-G. GRCh37 (hg19) VCF-style: chrX-10166017-C-G.
Other names: c.189C>G, p.Ile63Met (NM_001256944.2); short protein forms I157M, I63M.
Identifiers: ClinVar variation 3390440 (VCV003390440.1).
Genomic context (GRCh38, chrX:10,197,977, plus strand): 5'-GTGTTTTGTGTCTGTTGTCTAGGGTGCCAGTGCTTACATTCTGAATTACTTAATGTACAT[C>G]CTATGGGCGCTGCTGTTTGCATTTTTGGCTGTCTCCCTGGTGCGTGTATTTGCACCATAT-3'
Protein context (NP_001821.2, residues 147-167): SAYILNYLMY[Ile157Met]LWALLFAFLA